The following is an entry in ClinVar:

NM_000093.5(COL5A1):c.4644+99C>G

Genes: COL5A1 (collagen type V alpha 1 chain; plus strand), LOC101448202 (uncharacterized LOC101448202; minus strand). Cytogenetic location: 9q34.3.
Variant type: single nucleotide variant.
Coding change: c.4644+99C>G on transcript NM_000093.5 (MANE Select); 99 bases into the intron after coding-DNA position 4644, C replaced by G.
Molecular consequence: intron variant.
Genome position (GRCh38, 1-based): chr9:134,823,132, C>G. VCF-style: chr9-134823132-C-G. GRCh37 (hg19) VCF-style: chr9-137714978-C-G.
Other names: c.4644+99C>G (NM_001278074.1).
Identifiers: ClinVar variation 675734 (VCV000675734.2), dbSNP rs116680869, ClinGen allele CA13040932.

ClinVar aggregate classification (germline): Benign. Review status: criteria provided, multiple submitters, no conflicts (2 of 4 stars). 2 submissions from 2 submitters: Benign (2). Last evaluated 2018-06-19.

Allele frequency attached by ClinVar (database versions not stated): gnomAD 0.02032 and 0.02154; TOPMed 0.02245; 1000 Genomes Project 0.02596; 1000 Genomes Project 30x 0.02655.
gnomAD v4.1: 6,524 of 1,382,316 alleles (0.47%); highest among the groups gnomAD compares: African/African-American, 6.7%; 204 homozygotes.

Submissions (2):

GeneDx
Classification: Benign. Last evaluated: 2018-06-19. Review status: criteria provided, single submitter. Criteria: GeneDx Variant Classification (06012015). Collection method: clinical testing. Allele origin: germline. Affected: yes.
Comment: This variant is considered likely benign or benign based on one or more of the following criteria: it is a conservative change, it occurs at a poorly conserved position in the protein, it is predicted to be benign by multiple in silico algorithms, and/or has population frequency not consistent with disease.

Breakthrough Genomics
Classification: Benign. Review status: criteria provided, single submitter. Criteria: ACMG Guidelines, 2015. Collection method: not provided. Allele origin: germline. Inheritance: Autosomal dominant inheritance. Affected: yes.